The following is an entry in ClinVar:

ClinVar aggregate classification (germline): Conflicting classifications of pathogenicity. Review status: criteria provided, conflicting classifications (1 of 4 stars). 3 submissions from 3 submitters: Uncertain significance (2); Likely benign (1). Last evaluated 2026-02-18.

Conditions:
Hereditary cancer-predisposing syndrome. Also called: Hereditary Cancer Syndrome; Tumor predisposition; Neoplastic Syndromes, Hereditary; Hereditary neoplastic syndrome. Identifiers: Orphanet 140162, MedGen C0027672, MeSH D009386, MONDO:0015356.
Hereditary breast ovarian cancer syndrome. Also called: Hereditary breast and/or ovarian cancer syndrome; Hereditary breast and ovarian cancer syndrome; Breast and ovarian cancer; BRCA1- and BRCA2-Associated Hereditary Breast and Ovarian Cancer; Hereditary breast and ovarian cancer; Hereditary breast and ovarian cancer syndrome (HBOC). Identifiers: Orphanet 145, MedGen C0677776, MeSH D061325, MONDO:0003582. Disease mechanism: loss of function.

gnomAD v4.1: 1 of 1,614,136 alleles (0.000062%); highest among the groups gnomAD compares: East Asian, 0.0022%; no homozygotes.

Submissions (3):

Ambry Genetics
Classification: Uncertain significance for Hereditary cancer-predisposing syndrome. Last evaluated: 2026-02-18. Review status: criteria provided, single submitter. Criteria: Ambry Variant Classification Scheme 2023. Collection method: clinical testing. Allele origin: germline.
Comment: The p.S434R variant (also known as c.1300A>C), located in coding exon 9 of the BRCA1 gene, results from an A to C substitution at nucleotide position 1300. The serine at codon 434 is replaced by arginine, an amino acid with dissimilar properties. This amino acid position is not well conserved in available vertebrate species. In addition, the in silico prediction for this alteration is inconclusive. Based on the available evidence, the clinical significance of this variant remains unclear.

Labcorp Genetics (formerly Invitae), Labcorp
Classification: Uncertain significance for Hereditary breast ovarian cancer syndrome. Last evaluated: 2024-03-28. Review status: criteria provided, single submitter. Criteria: Invitae Variant Classification Sherloc (09022015). Collection method: clinical testing. Allele origin: germline.
Comment: This sequence change replaces serine, which is neutral and polar, with arginine, which is basic and polar, at codon 434 of the BRCA1 protein (p.Ser434Arg). This variant is not present in population databases (gnomAD no frequency). This variant has not been reported in the literature in individuals affected with BRCA1-related conditions. ClinVar contains an entry for this variant (Variation ID: 837806). Advanced modeling of protein sequence and biophysical properties (such as structural, functional, and spatial information, amino acid conservation, physicochemical variation, residue mobility, and thermodynamic stability) performed at Invitae indicates that this missense variant is not expected to disrupt BRCA1 protein function with a negative predictive value of 95%. In summary, the available evidence is currently insufficient to determine the role of this variant in disease. Therefore, it has been classified as a Variant of Uncertain Significance.

University of Washington Department of Laboratory Medicine, University of Washington
Classification: Likely benign for Hereditary cancer-predisposing syndrome. Last evaluated: 2023-03-23. Review status: criteria provided, single submitter. Criteria: Dines et al. (Genet Med. 2020). Collection method: curation. Allele origin: germline.
Comment: Missense variant in a coldspot region where missense variants are very unlikely to be pathogenic (PMID:31911673).

BRCA1 coldspot (exon 11 using historical exon numbering). Reclassification based on statistical prior probability

NM_007294.4(BRCA1):c.1300A>C (p.Ser434Arg)

Gene: BRCA1 (BRCA1 DNA repair associated; minus strand). Cytogenetic location: 17q21.31.
Variant type: single nucleotide variant.
Coding change: c.1300A>C on transcript NM_007294.4 (MANE Select); coding-DNA position 1300, A replaced by C.
Protein change: p.Ser434Arg; replaces serine 434 with arginine.
Molecular consequence: missense variant. On other transcripts: intron variant (137).
Genome position (GRCh38, 1-based): chr17:43,094,231, T>G on the plus strand (A>C on the coding strand, the complement: BRCA1 is on the minus strand). VCF-style: chr17-43094231-T-G. GRCh37 (hg19) VCF-style: chr17-41246248-T-G.
Other names: c.1087A>C, p.Ser363Arg (NM_001407571.1, NM_001407853.1, NM_001407894.1 and 9 more transcripts); c.1300A>C, p.Ser434Arg (NM_001407581.1, NM_001407582.1, NM_001407583.1 and 30 more transcripts); c.1297A>C, p.Ser433Arg (NM_001407587.1, NM_001407590.1, NM_001407591.1 and 22 more transcripts); c.1291A>C, p.Ser431Arg (NM_001407646.1, NM_001407647.1); c.1177A>C, p.Ser393Arg (NM_001407648.1, NM_001407664.1, NM_001407665.1 and 19 more transcripts); c.1219A>C, p.Ser407Arg (NM_001407661.1, NM_001407662.1, NM_001407659.1 and 1 more transcripts); c.1222A>C, p.Ser408Arg (NM_001407663.1, NM_001407653.1, NM_001407654.1 and 4 more transcripts); c.1174A>C, p.Ser392Arg (NM_001407685.1, NM_001407686.1, NM_001407687.1 and 11 more transcripts); and 40 more; short protein forms S387R, S434R, S323R, S363R, S367R, S392R, S431R, S433R.
Identifiers: ClinVar variation 837806 (VCV000837806.14), dbSNP rs786203753, ClinGen allele CA10599456.